The following is an entry in ClinVar:

NM_001177693.2(ARHGEF28):c.2055T>A (p.Asn685Lys)

Gene: ARHGEF28 (Rho guanine nucleotide exchange factor 28; plus strand). Cytogenetic location: 5q13.2.
Variant type: single nucleotide variant.
Coding change: c.2055T>A on transcript NM_001177693.2 (MANE Select); coding-DNA position 2055, T replaced by A.
Protein change: p.Asn685Lys; replaces asparagine 685 with lysine.
Molecular consequence: missense variant.
Genome position (GRCh38, 1-based): chr5:73,864,824, T>A. VCF-style: chr5-73864824-T-A. GRCh37 (hg19) VCF-style: chr5-73160649-T-A.
Other names: c.2055T>A, p.Asn685Lys (NM_001080479.3, NM_001388078.1); c.1116T>A, p.Asn372Lys (NM_001244364.2); c.1761T>A, p.Asn587Lys (NM_001388076.1); short protein forms N587K, N372K, N685K.
Identifiers: ClinVar variation 2401875 (VCV002401875.4), dbSNP rs368576535, ClinGen allele CA3304745.

ClinVar aggregate classification (germline): Uncertain significance. Review status: criteria provided, multiple submitters, no conflicts (2 of 4 stars). 2 submissions from 2 submitters: Uncertain significance (2). Last evaluated 2024-12-24.

Conditions:
ARHGEF28-related disorder. Also called: ARHGEF28-related condition.

Allele frequency attached by ClinVar (database versions not stated): ESP Exome Variant Server 0.00008; ExAC 0.00009; TOPMed 0.00010; gnomAD exomes 0.00012; gnomAD 0.00013.
gnomAD v4.1: 196 of 1,612,868 alleles (0.012%); highest among the groups gnomAD compares: Non-Finnish European, 0.014%; 1 homozygote.

Submissions (2):

Ambry Genetics
Classification: Uncertain significance. Last evaluated: 2024-12-24. Review status: criteria provided, single submitter. Criteria: Ambry Variant Classification Scheme 2023. Collection method: clinical testing. Allele origin: germline.

PreventionGenetics, part of Exact Sciences
Classification: Uncertain significance for ARHGEF28-related condition. Last evaluated: 2022-12-05. Review status: criteria provided, single submitter. Criteria: ACMG Guidelines, 2015. Collection method: clinical testing. Allele origin: germline.
Comment: The ARHGEF28 c.2055T>A variant is predicted to result in the amino acid substitution p.Asn685Lys. To our knowledge, this variant has not been reported in the literature. This variant is reported in 0.097% of alleles in individuals of Ashkenazi Jewish descent in gnomAD. Although we suspect that this variant may be benign, at this time, the clinical significance of this variant is uncertain due to the absence of conclusive functional and genetic evidence.